The following is an entry in ClinVar:

ClinVar aggregate classification (germline): Likely pathogenic (1 of 4 stars; one submission).

Conditions:
Developmental and epileptic encephalopathy 94 (DEE94). Also called: Epileptic encephalopathy, childhood-onset; CHD2-Related Neurodevelopmental Disorders. Identifiers: Orphanet 1942, Orphanet 2382, MedGen C3809278, MONDO:0014150, OMIM 615369.

Submission:

Labcorp Genetics (formerly Invitae), Labcorp
Classification: Likely pathogenic for Developmental and epileptic encephalopathy 94. Last evaluated: 2021-04-08. Review status: criteria provided, single submitter. Criteria: Invitae Variant Classification Sherloc (09022015). Collection method: clinical testing. Allele origin: germline.
Comment: In summary, the currently available evidence indicates that the variant is pathogenic, but additional data are needed to prove that conclusively. Therefore, this variant has been classified as Likely Pathogenic. Algorithms developed to predict the effect of sequence changes on RNA splicing suggest that this variant may disrupt the consensus splice site, but this prediction has not been confirmed by published transcriptional studies. This variant has not been reported in the literature in individuals with CHD2-related conditions. This variant is not present in population databases (ExAC no frequency). This sequence change affects an acceptor splice site in intron 34 of the CHD2 gene. It is expected to disrupt RNA splicing. Variants that disrupt the donor or acceptor splice site typically lead to a loss of protein function (PMID: 16199547), and loss-of-function variants in CHD2 are known to be pathogenic (PMID: 23708187, 24207121).

Literature cited by the submitters: PubMed 16199547; PubMed 23708187; PubMed 24207121.

NM_001271.4(CHD2):c.4414-2A>G

Gene: CHD2 (chromodomain helicase DNA binding protein 2; plus strand). Cytogenetic location: 15q26.1.
Variant type: single nucleotide variant.
Coding change: c.4414-2A>G on transcript NM_001271.4 (MANE Select); the canonical splice acceptor site of the intron before coding-DNA position 4414, A replaced by G.
Molecular consequence: splice acceptor variant.
Genome position (GRCh38, 1-based): chr15:93,009,143, A>G. VCF-style: chr15-93009143-A-G. GRCh37 (hg19) VCF-style: chr15-93552373-A-G.
Identifiers: ClinVar variation 1468920 (VCV001468920.8), dbSNP rs2141881521, ClinGen allele CA393904097.
Genomic context (GRCh38, chr15:93,009,143, plus strand): 5'-GCAAAGGACAAGACTTACTTTCTGCAGATTGTTTATGTCTTTACTCTGTTGTCCTGTTGC[A>G]GTGTAAGGAGAGGATGAGGCCCGTGAAAAAGGCACTGAAACAGCTCGACAAACCTGACAA-3'